The following is an entry in ClinVar:

ClinVar aggregate classification (germline): Uncertain significance (1 of 4 stars; one submission).

Conditions:
Neuronal ceroid lipofuscinosis 1 (CLN1). Also called: PPT1-Related Neuronal Ceroid-Lipofuscinosis; CEROID LIPOFUSCINOSIS, NEURONAL, 1, VARIABLE AGE AT ONSET. Identifiers: Orphanet 228329, MedGen C1850451, MONDO:0009744, OMIM 256730.

Submission:

Labcorp Genetics (formerly Invitae), Labcorp
Classification: Uncertain significance for Neuronal ceroid lipofuscinosis 1. Last evaluated: 2023-09-25. Review status: criteria provided, single submitter. Criteria: Invitae Variant Classification Sherloc (09022015). Collection method: clinical testing. Allele origin: germline.
Comment: This sequence change replaces valine, which is neutral and non-polar, with alanine, which is neutral and non-polar, at codon 12 of the PPT1 protein (p.Val12Ala). This variant is not present in population databases (gnomAD no frequency). This variant has not been reported in the literature in individuals affected with PPT1-related conditions. ClinVar contains an entry for this variant (Variation ID: 2081889). Advanced modeling of protein sequence and biophysical properties (such as structural, functional, and spatial information, amino acid conservation, physicochemical variation, residue mobility, and thermodynamic stability) performed at Invitae indicates that this missense variant is not expected to disrupt PPT1 protein function. In summary, the available evidence is currently insufficient to determine the role of this variant in disease. Therefore, it has been classified as a Variant of Uncertain Significance.

NM_000310.4(PPT1):c.35T>C (p.Val12Ala)

Gene: PPT1 (palmitoyl-protein thioesterase 1; minus strand). Cytogenetic location: 1p34.2.
Variant type: single nucleotide variant.
Coding change: c.35T>C on transcript NM_000310.4 (MANE Select); coding-DNA position 35, T replaced by C.
Protein change: p.Val12Ala; replaces valine 12 with alanine.
Molecular consequence: missense variant.
Genome position (GRCh38, 1-based): chr1:40,097,204, A>G on the plus strand (T>C on the coding strand, the complement: PPT1 is on the minus strand). VCF-style: chr1-40097204-A-G. GRCh37 (hg19) VCF-style: chr1-40562876-A-G.
Other names: c.35T>C, p.Val12Ala (NM_001142604.2, NM_001363695.2); short protein forms V12A.
Identifiers: ClinVar variation 2081889 (VCV002081889.4), dbSNP rs1291510931, ClinGen allele CA339850819.